The following is an entry in ClinVar:

ClinVar aggregate classification (germline): Conflicting classifications of pathogenicity. Review status: criteria provided, conflicting classifications (1 of 4 stars). 7 submissions from 7 submitters: Uncertain significance (4); Likely benign (3). Last evaluated 2026-02-12.

Conditions:
Inborn genetic diseases. Identifiers: MedGen C0950123, MeSH D030342.
CAD-related disorder. Also called: CAD-related condition.

Allele frequency attached by ClinVar (database versions not stated): gnomAD exomes 0.00006 and 0.00026; ESP Exome Variant Server 0.00023; gnomAD 0.00025 and 0.00026; ExAC 0.00031; TOPMed 0.00031; 1000 Genomes Project 0.00040; 1000 Genomes Project 30x 0.00047.
gnomAD v4.1: 139 of 1,613,852 alleles (0.0086%); highest among the groups gnomAD compares: East Asian, 0.12%; no homozygotes.

Submissions (7):

GeneDx
Classification: Uncertain significance. Last evaluated: 2026-02-12. Review status: criteria provided, single submitter. Criteria: GeneDx Variant Classification Process June 2021. Collection method: clinical testing. Allele origin: germline.
Comment: In silico analysis supports that this missense variant has a deleterious effect on protein structure/function; Has not been previously published as pathogenic or benign to our knowledge

Labcorp Genetics (formerly Invitae), Labcorp
Classification: Likely benign. Last evaluated: 2026-01-28. Review status: criteria provided, single submitter. Criteria: Invitae Variant Classification Sherloc (09022015). Collection method: clinical testing. Allele origin: germline.

Mayo Clinic Laboratories, Mayo Clinic
Classification: Uncertain significance. Last evaluated: 2025-02-07. Review status: criteria provided, single submitter. Criteria: ACMG Guidelines, 2015. Collection method: clinical testing. Allele origin: germline. Observed: 1 variant allele.
Comment: BP4

PreventionGenetics, part of Exact Sciences
Classification: Likely benign for CAD-related condition. Last evaluated: 2024-11-26. Review status: criteria provided, single submitter. Criteria: ACMG Guidelines, 2015. Collection method: clinical testing. Allele origin: germline.
Comment: This variant is classified as likely benign based on ACMG/AMP sequence variant interpretation guidelines (Richards et al. 2015 PMID: 25741868, with internal and published modifications).

Blueprint Genetics
Classification: Uncertain significance. Last evaluated: 2023-05-22. Review status: criteria provided, single submitter. Criteria: ACMG Guidelines, 2015. Collection method: clinical testing. Allele origin: germline.

Ambry Genetics
Classification: Likely benign for Inborn genetic diseases. Last evaluated: 2022-08-16. Review status: criteria provided, single submitter. Criteria: Ambry Variant Classification Scheme 2023. Collection method: clinical testing. Allele origin: germline.

CeGaT Center for Human Genetics Tuebingen
Classification: Uncertain significance. Last evaluated: 2018-09-01. Review status: criteria provided, single submitter. Criteria: CeGaT Center For Human Genetics Tuebingen Variant Classification Criteria Version 2. Collection method: clinical testing. Allele origin: germline. Affected: yes. Observed: 1 variant allele.

NM_004341.5(CAD):c.4954C>T (p.Arg1652Cys)

Gene: CAD (carbamoyl-phosphate synthetase 2, aspartate transcarbamylase, and dihydroorotase; plus strand). Cytogenetic location: 2p23.3.
Variant type: single nucleotide variant.
Coding change: c.4954C>T on transcript NM_004341.5 (MANE Select); coding-DNA position 4954, C replaced by T.
Protein change: p.Arg1652Cys; replaces arginine 1652 with cysteine.
Molecular consequence: missense variant.
Genome position (GRCh38, 1-based): chr2:27,238,524, C>T. VCF-style: chr2-27238524-C-T. GRCh37 (hg19) VCF-style: chr2-27461392-C-T.
Other names: p.Arg1652Cys; c.4954C>T (NM_004341.4, NM_004341.3); c.4765C>T, p.Arg1589Cys (NM_001306079.2); short protein forms R1652C, R1589C.
Identifiers: ClinVar variation 808714 (VCV000808714.52), dbSNP rs200577574, ClinGen allele CA1573704.
Genomic context (GRCh38, chr2:27,238,524, plus strand): 5'-TTGCCAGTGACCTGCGAGGTGGCTCCCCACCACCTGTTCCTAAGCCATGATGACCTGGAG[C>T]GCCTGGGGCCTGGGAAGGGGGAGGTCCGGCCTGAGCTTGGCTCCCGCCAGGATGTGGAAG-3'
Protein context (NP_004332.2, residues 1642-1662): HLFLSHDDLE[Arg1652Cys]LGPGKGEVRP